The following is an entry in ClinVar:

NM_170707.4(LMNA):c.480C>T (p.Gly160=)

Genes: LMNA (lamin A/C; plus strand), LOC126805877 (MED14-independent group 3 enhancer GRCh37_chr1:156099693-156100892; plus strand). Cytogenetic location: 1q22.
Variant type: single nucleotide variant.
Coding change: c.480C>T on transcript NM_170707.4 (MANE Select); coding-DNA position 480, C replaced by T.
Protein change: p.Gly160=; no amino-acid change (glycine 160 retained).
Molecular consequence: synonymous variant.
Genome position (GRCh38, 1-based): chr1:156,130,740, C>T. VCF-style: chr1-156130740-C-T. GRCh37 (hg19) VCF-style: chr1-156100531-C-T.
Other names: c.144C>T, p.Gly48= (NM_001257374.3); c.237C>T, p.Gly79= (NM_001282624.2); c.480C>T, p.Gly160= (NM_001282625.2, NM_001282626.2, NM_005572.4 and 1 more transcripts).
Identifiers: ClinVar variation 519479 (VCV000519479.20), dbSNP rs758848135, ClinGen allele CA053570.

ClinVar aggregate classification (germline): Conflicting classifications of pathogenicity. Review status: criteria provided, conflicting classifications (1 of 4 stars). 4 submissions from 4 submitters: Uncertain significance (3); Likely benign (1). Last evaluated 2025-10-02.

Conditions:
Cardiovascular phenotype. Identifiers: MedGen CN230736.
Charcot-Marie-Tooth disease type 2. Also called: Charcot-Marie-Tooth type 2. Identifiers: Orphanet 64746, MedGen C0270914, MONDO:0018993.
Primary dilated cardiomyopathy (DCM). Also called: Dilated Cardiomyopathy. Identifiers: Orphanet 217604, MedGen C0007193, MeSH D002311, MONDO:0005021, HP:0001644. Inheritance: Various modes of inheritance.
Cardiomyopathy (CMYO). Also called: Cardiomyopathies. Identifiers: Orphanet 167848, MedGen C0878544, MONDO:0004994, HP:0001638. Inheritance: Various modes of inheritance.

Allele frequency attached by ClinVar (database versions not stated): ExAC 0.00001; gnomAD exomes 0.00001.
gnomAD v4.1: 39 of 1,604,446 alleles (0.0024%); highest among the groups gnomAD compares: South Asian, 0.0045%; no homozygotes.

Submissions (4):

Labcorp Genetics (formerly Invitae), Labcorp
Classification: Uncertain significance for Charcot-Marie-Tooth disease type 2. Last evaluated: 2025-10-02. Review status: criteria provided, single submitter. Criteria: Invitae Variant Classification Sherloc (09022015). Collection method: clinical testing. Allele origin: germline.
Comment: This sequence change affects codon 160 of the LMNA mRNA. It is a 'silent' change, meaning that it does not change the encoded amino acid sequence of the LMNA protein. This variant is present in population databases (rs758848135, gnomAD 0.002%). This variant has not been reported in the literature in individuals affected with LMNA-related conditions. ClinVar contains an entry for this variant (Variation ID: 519479). Algorithms developed to predict the effect of sequence changes on RNA splicing suggest that this variant may create or strengthen a splice site. In summary, the available evidence is currently insufficient to determine the role of this variant in disease. Therefore, it has been classified as a Variant of Uncertain Significance.

Color Diagnostics, LLC DBA Color Health
Classification: Uncertain significance for Cardiomyopathy. Last evaluated: 2025-07-15. Review status: criteria provided, single submitter. Criteria: ACMG Guidelines, 2015. Collection method: clinical testing. Allele origin: germline.
Comment: This synonymous variant does not change the amino acid sequence of the lamin A/C proteins. Splice site prediction tools are inconclusive regarding the impact of this variant on RNA splicing. A functional minigene assay has shown that this variant alters mRNA splicing in vitro (PMID: 28679633). This variant has been reported in an individual affected with idiopathic ventricular fibrillation (PMID: 31453089). However, no abnormal splicing was detected in the RNA sample derived from this individual's peripheral blood cell. This variant has been identified in 2/232328 chromosomes in the general population by the Genome Aggregation Database (gnomAD). The available evidence is insufficient to determine the role of this variant in disease conclusively. Therefore, this variant is classified as a Variant of Uncertain Significance.

All of Us Research Program, National Institutes of Health
Classification: Uncertain significance for Primary dilated cardiomyopathy. Last evaluated: 2023-12-01. Review status: criteria provided, single submitter. Criteria: ACMG Guidelines, 2015. Collection method: clinical testing. Allele origin: germline. Inheritance: Autosomal dominant inheritance. Observed: 3 variant alleles, 3 heterozygotes.
Comment: This synonymous variant does not change the amino acid sequence of the lamin A/C proteins. Splice site prediction tools and conservation analysis are inconclusive regarding the impact of this variant on RNA splicing. A functional study with minigene assay has shown that this variant alters mRNA splicing in vitro (PMID: 28679633). This variant has been reported in an individual affected with idiopathic ventricular fibrillation (PMID: 31453089). However, no abnormal splicing was detected in the RNA sample derived from this individual's peripheral blood cell, indicating that this variant has no impact on splicing in vivo and could not explain the observed phenotype. This variant has been identified in 2/232328 chromosomes in the general population by the Genome Aggregation Database (gnomAD). The available evidence is insufficient to determine the role of this variant in disease conclusively. Therefore, this variant is classified as a Variant of Uncertain Significance.

This study involves interpretation of variants in research participants for the purpose of population health screening. Participant phenotype was not available at the time of variant classification. Additional details can be found in publication PMID: 35346344, PMCID: PMC8962531

Ambry Genetics
Classification: Likely benign for Cardiovascular phenotype. Last evaluated: 2018-10-04. Review status: criteria provided, single submitter. Criteria: Ambry Variant Classification Scheme 2023. Collection method: clinical testing. Allele origin: germline.

Literature cited by the submitters: PubMed 28679633 (cited by 3 submitters); PubMed 31453089 (cited by Color Diagnostics, LLC DBA Color Health and All of Us Research Program, National Institutes of Health).